The following is an entry in ClinVar:

NM_025114.4(CEP290):c.4547A>G (p.Glu1516Gly)

Gene: CEP290 (centrosomal protein 290; minus strand). Cytogenetic location: 12q21.32.
Variant type: single nucleotide variant.
Coding change: c.4547A>G on transcript NM_025114.4 (MANE Select); coding-DNA position 4547, A replaced by G.
Protein change: p.Glu1516Gly; replaces glutamic acid 1516 with glycine.
Molecular consequence: missense variant.
Genome position (GRCh38, 1-based): chr12:88,084,743, T>C on the plus strand (A>G on the coding strand, the complement: CEP290 is on the minus strand). VCF-style: chr12-88084743-T-C. GRCh37 (hg19) VCF-style: chr12-88478520-T-C.
Other names: short protein forms E1516G.
Identifiers: ClinVar variation 1386672 (VCV001386672.5), dbSNP rs367941106, ClinGen allele CA241160151.
Genomic context (GRCh38, chr12:88,084,743, plus strand): 5'-TTCAATGTGTGGTGAGATTTTGGTTCCATCTCTTTTCTGCCTAGCTCAGCTATGAGCTTT[T>C]CTCTTTCTGCAGTGGCAGGCAATCGAAGCCTCAGTTCATTGATTACTTTGTCTCTTGACA-3'
Protein context (NP_079390.3, residues 1506-1526): RLRLPATAER[Glu1516Gly]KLIAELGRKE

ClinVar aggregate classification (germline): Uncertain significance (1 of 4 stars; one submission).

Conditions:
Joubert syndrome. Also called: CEREBELLOPARENCHYMAL DISORDER IV; JOUBERT-BOLTSHAUSER SYNDROME; Familial aplasia of the vermis. Identifiers: Orphanet 475, MedGen C5979921, MONDO:0018772.
Nephronophthisis. Also called: Juvenile Nephronophthisis. Identifiers: Orphanet 655, MedGen C0687120, MONDO:0019005, HP:0000090.
Meckel-Gruber syndrome. Also called: DYSENCEPHALIA SPLANCHNOCYSTICA; GRUBER SYNDROME; Dysencephalia splachnocystica. Identifiers: Orphanet 564, MedGen C0265215, MONDO:0018921.

Allele frequency attached by ClinVar (database versions not stated): gnomAD exomes below 0.00001.
gnomAD v4.1: 4 of 1,613,758 alleles (0.00025%); highest among the groups gnomAD compares: African/African-American, 0.0027%; no homozygotes.

Submission:

Labcorp Genetics (formerly Invitae), Labcorp
Classification: Uncertain significance for Joubert syndrome; Meckel-Gruber syndrome; Nephronophthisis. Last evaluated: 2025-08-21. Review status: criteria provided, single submitter. Criteria: Invitae Variant Classification Sherloc (09022015). Collection method: clinical testing. Allele origin: germline.
Comment: This sequence change replaces glutamic acid, which is acidic and polar, with glycine, which is neutral and non-polar, at codon 1516 of the CEP290 protein (p.Glu1516Gly). This variant is not present in population databases (gnomAD no frequency). This variant has not been reported in the literature in individuals affected with CEP290-related conditions. ClinVar contains an entry for this variant (Variation ID: 1386672). Invitae Evidence Modeling of protein sequence and biophysical properties (such as structural, functional, and spatial information, amino acid conservation, physicochemical variation, residue mobility, and thermodynamic stability) indicates that this missense variant is expected to disrupt CEP290 protein function with a positive predictive value of 80%. In summary, the available evidence is currently insufficient to determine the role of this variant in disease. Therefore, it has been classified as a Variant of Uncertain Significance.